The following is an entry in ClinVar:

NM_006648.4(WNK2):c.1582G>A (p.Val528Met)

Gene: WNK2 (WNK lysine deficient protein kinase 2; plus strand). Cytogenetic location: 9q22.31.
Variant type: single nucleotide variant.
Coding change: c.1582G>A on transcript NM_006648.4 (MANE Select); coding-DNA position 1582, G replaced by A.
Protein change: p.Val528Met; replaces valine 528 with methionine.
Molecular consequence: missense variant.
Genome position (GRCh38, 1-based): chr9:93,247,582, G>A. VCF-style: chr9-93247582-G-A. GRCh37 (hg19) VCF-style: chr9-96009864-G-A.
Other names: c.1582G>A, p.Val528Met (NM_001282394.3); short protein forms V528M.
Identifiers: ClinVar variation 3816490 (VCV003816490.1).

ClinVar aggregate classification (germline): Uncertain significance (1 of 4 stars; one submission).

gnomAD v4.1: 2 of 1,609,578 alleles (0.00012%); highest among the groups gnomAD compares: Non-Finnish European, 0.00017%; no homozygotes.

Submission:

Ambry Genetics
Classification: Uncertain significance. Last evaluated: 2024-12-15. Review status: criteria provided, single submitter. Criteria: Ambry Variant Classification Scheme 2023. Collection method: clinical testing. Allele origin: germline.
Comment: The p.V528M variant (also known as c.1582G>A), located in coding exon 7 of the WNK2 gene, results from a G to A substitution at nucleotide position 1582. The valine at codon 528 is replaced by methionine, an amino acid with highly similar properties. This amino acid position is conserved. In addition, the in silico prediction for this alteration is inconclusive. Based on the available evidence, the clinical significance of this variant remains unclear.